The following is an entry in ClinVar:

NM_006904.7(PRKDC):c.3179T>C (p.Phe1060Ser)

Gene: PRKDC (protein kinase, DNA-activated, catalytic subunit; minus strand). Cytogenetic location: 8q11.21.
Variant type: single nucleotide variant.
Coding change: c.3179T>C on transcript NM_006904.7 (MANE Select); coding-DNA position 3179, T replaced by C.
Protein change: p.Phe1060Ser; replaces phenylalanine 1060 with serine.
Molecular consequence: missense variant.
Genome position (GRCh38, 1-based): chr8:47,902,659, A>G on the plus strand (T>C on the coding strand, the complement: PRKDC is on the minus strand). VCF-style: chr8-47902659-A-G. GRCh37 (hg19) VCF-style: chr8-48815219-A-G.
Other names: c.3179T>C, p.Phe1060Ser (NM_001081640.2); short protein forms F1060S.
Identifiers: ClinVar variation 3225824 (VCV003225824.1), dbSNP rs2551875567, ClinGen allele CA371156814.

ClinVar aggregate classification (germline): Uncertain significance (1 of 4 stars; one submission).

Allele frequency attached by ClinVar (database versions not stated): gnomAD exomes below 0.00001.
gnomAD v4.1: 1 of 1,613,748 alleles (0.000062%); highest among the groups gnomAD compares: Non-Finnish European, 0.000085%; no homozygotes.

Submission:

Ambry Genetics
Classification: Uncertain significance. Last evaluated: 2023-12-11. Review status: criteria provided, single submitter. Criteria: Ambry Variant Classification Scheme 2023. Collection method: clinical testing. Allele origin: germline.
Comment: The p.F1060S variant (also known as c.3179T>C), located in coding exon 27 of the PRKDC gene, results from a T to C substitution at nucleotide position 3179. The phenylalanine at codon 1060 is replaced by serine, an amino acid with highly dissimilar properties. This amino acid position is conserved. In addition, this alteration is predicted to be deleterious by in silico analysis. Since supporting evidence is limited at this time, the clinical significance of this alteration remains unclear.